The following is an entry in ClinVar:

NM_002075.4(GNB3):c.551C>T (p.Thr184Met)

Gene: GNB3 (G protein subunit beta 3; plus strand). Cytogenetic location: 12p13.31.
Variant type: single nucleotide variant.
Coding change: c.551C>T on transcript NM_002075.4 (MANE Select); coding-DNA position 551, C replaced by T.
Protein change: p.Thr184Met; replaces threonine 184 with methionine.
Molecular consequence: missense variant.
Genome position (GRCh38, 1-based): chr12:6,843,830, C>T. VCF-style: chr12-6843830-C-T. GRCh37 (hg19) VCF-style: chr12-6952994-C-T.
Other names: c.551C>T (NM_002075.2); c.548C>T, p.Thr183Met (NM_001297571.2); short protein forms T184M, T183M.
Identifiers: ClinVar variation 1933887 (VCV001933887.7), dbSNP rs371387315, ClinGen allele CA6417580.
Genomic context (GRCh38, chr12:6,843,830, plus strand): 5'-TTGGCAGTGCCTTGTGGGACATTGAGACTGGGCAGCAGAAGACTGTATTTGTGGGACACA[C>T]GGGTGACTGCATGAGCCTGGCTGTGTCTCCTGACTTCAATCTCTTCATTTCGGGGGCCTG-3'
Protein context (NP_002066.1, residues 174-194): GQQKTVFVGH[Thr184Met]GDCMSLAVSP

ClinVar aggregate classification (germline): Uncertain significance. Review status: criteria provided, multiple submitters, no conflicts (2 of 4 stars). 3 submissions from 3 submitters: Uncertain significance (3). Last evaluated 2025-08-07.

Conditions:
Inborn genetic diseases. Identifiers: MedGen C0950123, MeSH D030342.

Allele frequency attached by ClinVar (database versions not stated): ExAC 0.00002; TOPMed 0.00003; gnomAD 0.00004; gnomAD exomes 0.00007; ESP Exome Variant Server 0.00008.
gnomAD v4.1: 107 of 1,613,876 alleles (0.0066%); highest among the groups gnomAD compares: Non-Finnish European, 0.0081%; no homozygotes.

Submissions (3):

Ambry Genetics
Classification: Uncertain significance for Inborn genetic diseases. Last evaluated: 2025-08-07. Review status: criteria provided, single submitter. Criteria: Ambry Variant Classification Scheme 2023. Collection method: clinical testing. Allele origin: germline.

Labcorp Genetics (formerly Invitae), Labcorp
Classification: Uncertain significance. Last evaluated: 2024-07-10. Review status: criteria provided, single submitter. Criteria: Invitae Variant Classification Sherloc (09022015). Collection method: clinical testing. Allele origin: germline.
Comment: This sequence change replaces threonine, which is neutral and polar, with methionine, which is neutral and non-polar, at codon 184 of the GNB3 protein (p.Thr184Met). This variant is present in population databases (rs371387315, gnomAD 0.004%). This variant has not been reported in the literature in individuals affected with GNB3-related conditions. ClinVar contains an entry for this variant (Variation ID: 1933887). Advanced modeling of protein sequence and biophysical properties (such as structural, functional, and spatial information, amino acid conservation, physicochemical variation, residue mobility, and thermodynamic stability) performed at Invitae indicates that this missense variant is not expected to disrupt GNB3 protein function with a negative predictive value of 80%. In summary, the available evidence is currently insufficient to determine the role of this variant in disease. Therefore, it has been classified as a Variant of Uncertain Significance.

Blueprint Genetics
Classification: Uncertain significance. Last evaluated: 2023-06-29. Review status: criteria provided, single submitter. Criteria: ACMG Guidelines, 2015. Collection method: clinical testing. Allele origin: germline.